The following is an entry in ClinVar:

NM_138420.4(AHNAK2):c.9779T>C (p.Met3260Thr)

Gene: AHNAK2 (AHNAK nucleoprotein 2; minus strand). Cytogenetic location: 14q32.33.
Variant type: single nucleotide variant.
Coding change: c.9779T>C on transcript NM_138420.4 (MANE Select); coding-DNA position 9779, T replaced by C.
Protein change: p.Met3260Thr; replaces methionine 3260 with threonine.
Molecular consequence: missense variant.
Genome position (GRCh38, 1-based): chr14:104,945,672, A>G on the plus strand (T>C on the coding strand, the complement: AHNAK2 is on the minus strand). VCF-style: chr14-104945672-A-G. GRCh37 (hg19) VCF-style: chr14-105412009-A-G.
Other names: c.9479T>C, p.Met3160Thr (NM_001350929.2); short protein forms M3260T, M3160T.
Identifiers: ClinVar variation 402348 (VCV000402348.5), dbSNP rs28714612, ClinGen allele CA7379477.

ClinVar aggregate classification (germline): Benign. Review status: criteria provided, multiple submitters, no conflicts (2 of 4 stars). 2 submissions from 2 submitters: Benign (2). Last evaluated 2016-03-29.

Allele frequency attached by ClinVar (database versions not stated): 1000 Genomes Project 0.38518; gnomAD exomes 0.44437; ExAC 0.45473.

Submissions (2):

Laboratory for Molecular Medicine, Mass General Brigham Personalized Medicine
Classification: Benign. Last evaluated: 2016-03-29. Review status: criteria provided, single submitter. Criteria: LMM Criteria. Collection method: clinical testing. Allele origin: germline.
Comment: Variant identified in a genome or exome case(s) and assessed due to predicted null impact of the variant or pathogenic assertions in the literature or databases. Disclaimer: This variant has not undergone full assessment. The following are preliminary notes: Frequency

Breakthrough Genomics
Classification: Benign. Review status: criteria provided, single submitter. Criteria: ACMG Guidelines, 2015. Collection method: not provided. Allele origin: germline. Inheritance: Unknown mechanism. Affected: yes.